The following is an entry in ClinVar:

NM_007194.4(CHEK2):c.908+3A>G

Gene: CHEK2 (checkpoint kinase 2; minus strand). Cytogenetic location: 22q12.1.
Variant type: single nucleotide variant.
Coding change: c.908+3A>G on transcript NM_007194.4 (MANE Select); 3 bases into the intron after coding-DNA position 908, A replaced by G.
Molecular consequence: intron variant.
Genome position (GRCh38, 1-based): chr22:28,703,502, T>C on the plus strand (A>G on the coding strand, the complement: CHEK2 is on the minus strand). VCF-style: chr22-28703502-T-C. GRCh37 (hg19) VCF-style: chr22-29099490-T-C.
Other names: c.245+3A>G (NM_001437942.1, NM_001257387.3); c.707+3A>G (NM_001349956.3); c.908+3A>G (NM_145862.3); c.1001+3A>G (NM_001438295.1, NM_001438293.1); c.1037+3A>G (NM_001438294.1, NM_001005735.3).
Identifiers: ClinVar variation 2452069 (VCV002452069.2), dbSNP rs1601752050, ClinGen allele CA2580099364.

ClinVar aggregate classification (germline): Uncertain significance (1 of 4 stars; one submission).

Conditions:
Hereditary cancer-predisposing syndrome. Also called: Neoplastic Syndromes, Hereditary; Tumor predisposition; Hereditary neoplastic syndrome; Hereditary Cancer Syndrome. Identifiers: Orphanet 140162, MedGen C0027672, MeSH D009386, MONDO:0015356.

Submission:

Ambry Genetics
Classification: Uncertain significance for Hereditary cancer-predisposing syndrome. Last evaluated: 2022-11-15. Review status: criteria provided, single submitter. Criteria: Ambry Variant Classification Scheme 2023. Collection method: clinical testing. Allele origin: germline.
Comment: The c.908+3A>G intronic variant results from an A to G substitution 3 nucleotides after coding exon 7 in the CHEK2 gene. This nucleotide position is highly conserved in available vertebrate species. In silico splice site analysis for this alteration is inconclusive. Since supporting evidence is limited at this time, the clinical significance of this alteration remains unclear.